The following is an entry in ClinVar:

ClinVar aggregate classification (germline): Likely pathogenic (1 of 4 stars; one submission).

gnomAD v4.1: 2 of 1,613,690 alleles (0.00012%); highest among the groups gnomAD compares: Non-Finnish European, 0.00017%; no homozygotes.

Submission:

Labcorp Genetics (formerly Invitae), Labcorp
Classification: Likely pathogenic. Last evaluated: 2022-08-19. Review status: criteria provided, single submitter. Criteria: Invitae Variant Classification Sherloc (09022015). Collection method: clinical testing. Allele origin: germline.
Comment: This sequence change replaces arginine, which is basic and polar, with leucine, which is neutral and non-polar, at codon 762 of the CNGB1 protein (p.Arg762Leu). This variant is not present in population databases (gnomAD no frequency). This variant has not been reported in the literature in individuals affected with CNGB1-related conditions. Advanced modeling of protein sequence and biophysical properties (such as structural, functional, and spatial information, amino acid conservation, physicochemical variation, residue mobility, and thermodynamic stability) performed at Invitae indicates that this missense variant is expected to disrupt CNGB1 protein function. This variant disrupts the p.Arg762 amino acid residue in CNGB1. Other variant(s) that disrupt this residue have been determined to be pathogenic (PMID: 28041643, 30718709, 31570810). This suggests that this residue is clinically significant, and that variants that disrupt this residue are likely to be disease-causing. In summary, the currently available evidence indicates that the variant is pathogenic, but additional data are needed to prove that conclusively. Therefore, this variant has been classified as Likely Pathogenic.

Literature cited by the submitters: PubMed 28041643; PubMed 30718709; PubMed 31570810.

NM_001297.5(CNGB1):c.2285G>T (p.Arg762Leu)

Gene: CNGB1 (cyclic nucleotide gated channel subunit beta 1; minus strand). Cytogenetic location: 16q21.
Variant type: single nucleotide variant.
Coding change: c.2285G>T on transcript NM_001297.5 (MANE Select); coding-DNA position 2285, G replaced by T.
Protein change: p.Arg762Leu; replaces arginine 762 with leucine.
Molecular consequence: missense variant.
Genome position (GRCh38, 1-based): chr16:57,915,268, C>A on the plus strand (G>T on the coding strand, the complement: CNGB1 is on the minus strand). VCF-style: chr16-57915268-C-A. GRCh37 (hg19) VCF-style: chr16-57949172-C-A.
Other names: c.2267G>T, p.Arg756Leu (NM_001286130.2); short protein forms R762L, R756L.
Identifiers: ClinVar variation 2024859 (VCV002024859.4), dbSNP rs760373259, ClinGen allele CA396062793.